The following is an entry in ClinVar:

ClinVar aggregate classification (germline): Uncertain significance (1 of 4 stars; one submission).

Submission:

GeneDx
Classification: Uncertain significance. Last evaluated: 2026-03-06. Review status: criteria provided, single submitter. Criteria: GeneDx Variant Classification Process June 2021. Collection method: clinical testing. Allele origin: germline.
Comment: Not observed at significant frequency in large population cohorts (gnomAD); In silico analysis supports that this missense variant has a deleterious effect on protein structure/function; Has not been previously published as pathogenic or benign to our knowledge; This variant is associated with the following publications: (PMID: 25512093, 25609763, 26100331)

NM_001376.5(DYNC1H1):c.10871A>G (p.Glu3624Gly)

Gene: DYNC1H1 (dynein cytoplasmic 1 heavy chain 1; plus strand). Cytogenetic location: 14q32.31.
Variant type: single nucleotide variant.
Coding change: c.10871A>G on transcript NM_001376.5 (MANE Select); coding-DNA position 10871, A replaced by G.
Protein change: p.Glu3624Gly; replaces glutamic acid 3624 with glycine.
Molecular consequence: missense variant.
Genome position (GRCh38, 1-based): chr14:102,036,605, A>G. VCF-style: chr14-102036605-A-G. GRCh37 (hg19) VCF-style: chr14-102502942-A-G.
Other names: short protein forms E3624G.
Identifiers: ClinVar variation 5008534 (VCV005008534.1).